The following is an entry in ClinVar:

NM_003072.5(SMARCA4):c.2713C>T (p.Arg905Cys)

Gene: SMARCA4 (SWI/SNF related BAF chromatin remodeling complex subunit ATPase 4; plus strand). Cytogenetic location: 19p13.2.
Variant type: single nucleotide variant.
Coding change: c.2713C>T on transcript NM_003072.5 (MANE Select); coding-DNA position 2713, C replaced by T.
Protein change: p.Arg905Cys; replaces arginine 905 with cysteine.
Molecular consequence: missense variant. On other transcripts: non-coding transcript variant (1).
Genome position (GRCh38, 1-based): chr19:11,021,821, C>T. VCF-style: chr19-11021821-C-T. GRCh37 (hg19) VCF-style: chr19-11132497-C-T.
Other names: c.2713C>T, p.Arg905Cys (NM_001128844.3, NM_001128845.2, NM_001128846.2 and 5 more transcripts); short protein forms R905C.
Identifiers: ClinVar variation 480664 (VCV000480664.20), dbSNP rs1555778721, ClinGen allele CA404056149.

ClinVar aggregate classification (germline): Uncertain significance. Review status: criteria provided, multiple submitters, no conflicts (2 of 4 stars). 5 submissions from 5 submitters: Uncertain significance (5). Last evaluated 2024-12-10.

Conditions:
Rhabdoid tumor predisposition syndrome 2 (RTPS2). Identifiers: Orphanet 231108, Orphanet 69077, MedGen C2750074, MONDO:0013224, OMIM 613325.
Hereditary cancer-predisposing syndrome. Also called: Hereditary Cancer Syndrome; Neoplastic Syndromes, Hereditary; Tumor predisposition; Hereditary neoplastic syndrome. Identifiers: Orphanet 140162, MedGen C0027672, MeSH D009386, MONDO:0015356.
Intellectual disability, autosomal dominant 16 (CSS4). Also called: COFFIN-SIRIS SYNDROME 4. Identifiers: Orphanet 1465, MedGen C3553249, MONDO:0013821, OMIM 614609.

Allele frequency attached by ClinVar (database versions not stated): gnomAD exomes below 0.00001.
gnomAD v4.1: 1 of 1,613,756 alleles (0.000062%); highest among the groups gnomAD compares: Non-Finnish European, 0.000085%; no homozygotes.

Submissions (5):

Quest Diagnostics Nichols Institute San Juan Capistrano
Classification: Uncertain significance. Last evaluated: 2024-12-10. Review status: criteria provided, single submitter. Criteria: Quest Diagnostics criteria. Collection method: clinical testing. Allele origin: unknown.
Comment: The SMARCA4 c.2713C>T (p.Arg905Cys) variant has been reported in the published literature in the somatic state in an ovarian cancer patient (PMID: 33144586 (2020)) and a urothelial carcinoma patient (PMID 32332851 (2020)), and to the best of our knowledge has not been reported as a germline variant. This variant has not been reported in large, multi-ethnic general populations (Genome Aggregation Database). Analysis of this variant using bioinformatics tools for the prediction of the effect of amino acid changes on protein structure and function yielded predictions that this variant is damaging. Based on the available information, we are unable to determine the clinical significance of this variant.

Labcorp Genetics (formerly Invitae), Labcorp
Classification: Uncertain significance for Rhabdoid tumor predisposition syndrome 2. Last evaluated: 2024-10-02. Review status: criteria provided, single submitter. Criteria: Invitae Variant Classification Sherloc (09022015). Collection method: clinical testing. Allele origin: germline.
Comment: This sequence change replaces arginine, which is basic and polar, with cysteine, which is neutral and slightly polar, at codon 905 of the SMARCA4 protein (p.Arg905Cys). This variant is not present in population databases (gnomAD no frequency). This variant has not been reported in the literature in individuals affected with SMARCA4-related conditions. ClinVar contains an entry for this variant (Variation ID: 480664). Invitae Evidence Modeling of protein sequence and biophysical properties (such as structural, functional, and spatial information, amino acid conservation, physicochemical variation, residue mobility, and thermodynamic stability) has been performed for this missense variant. However, the output from this modeling did not meet the statistical confidence thresholds required to predict the impact of this variant on SMARCA4 protein function. In summary, the available evidence is currently insufficient to determine the role of this variant in disease. Therefore, it has been classified as a Variant of Uncertain Significance.

Ambry Genetics
Classification: Uncertain significance for Hereditary cancer-predisposing syndrome. Last evaluated: 2023-09-26. Review status: criteria provided, single submitter. Criteria: Ambry Variant Classification Scheme 2023. Collection method: clinical testing. Allele origin: germline.
Comment: The p.R905C variant (also known as c.2713C>T), located in coding exon 18 of the SMARCA4 gene, results from a C to T substitution at nucleotide position 2713. The arginine at codon 905 is replaced by cysteine, an amino acid with highly dissimilar properties. This amino acid position is highly conserved in available vertebrate species. In addition, this alteration is predicted to be deleterious by in silico analysis. This variant has been detected in multiple individuals with no reported features of Coffin-Siris syndrome-associated disease (Ambry internal data). Missense and in-frame variants in SMARCA4 are known to cause neurodevelopmental disorders; however, such associations with rhabdoid tumor predisposition syndrome including small cell carcinoma of the ovary-hypercalcemic type (SCCOHT) are exceedingly rare (Kosho T et al. Am J Med Genet C Semin Med Genet. 2014 Sep;166C(3):262-75; Jelinic P et al. Nat Genet. 2014 May;46(5):424-6). Since supporting evidence is limited at this time, the clinical significance of this alteration remains unclear.

St. Jude Molecular Pathology, St. Jude Children's Research Hospital
Classification: Uncertain significance for Rhabdoid tumor predisposition syndrome 2. Last evaluated: 2022-02-24. Review status: criteria provided, single submitter. Criteria: St. Jude Assertion Criteria 2020. Collection method: clinical testing. Allele origin: germline.
Comment: The SMARCA4 c.2713C>T (p.Arg905Cys) missense change is absent in gnomAD v2.1.1 (PM2_supporting). Six of seven in silico tools predict a deleterious effect of this variant on protein function (PP3), but to our knowledge these predictions have not been confirmed by functional assays. To our knowledge, this variant has not been reported in individuals with rhabdoid tumor predisposition syndrome. In summary, this variant meets criteria to be classified as of uncertain significance based on the ACMG/AMP criteria: PM2_supporting, PP3.

Genome-Nilou Lab
Classification: Uncertain significance for Intellectual disability, autosomal dominant 16. Last evaluated: 2021-07-15. Review status: criteria provided, single submitter. Criteria: ACMG Guidelines, 2015. Collection method: clinical testing. Allele origin: germline. Affected: no.

Literature cited by the submitters: PubMed 33144586 (cited by Quest Diagnostics Nichols Institute San Juan Capistrano); PubMed 32332851 (cited by Quest Diagnostics Nichols Institute San Juan Capistrano).